The following is an entry in ClinVar:

ClinVar aggregate classification (germline): Uncertain significance (1 of 4 stars; one submission).

gnomAD v4.1: 2 of 1,532,688 alleles (0.00013%); highest among the groups gnomAD compares: African/African-American, 0.0014%; no homozygotes.

Submission:

Labcorp Genetics (formerly Invitae), Labcorp
Classification: Uncertain significance. Last evaluated: 2022-01-03. Review status: criteria provided, single submitter. Criteria: Invitae Variant Classification Sherloc (09022015). Collection method: clinical testing. Allele origin: germline.
Comment: In summary, the available evidence is currently insufficient to determine the role of this variant in disease. Therefore, it has been classified as a Variant of Uncertain Significance. Algorithms developed to predict the effect of missense changes on protein structure and function are either unavailable or do not agree on the potential impact of this missense change (SIFT: "Deleterious"; PolyPhen-2: "Probably Damaging"; Align-GVGD: "Class C0"). This variant has not been reported in the literature in individuals affected with ARHGEF18-related conditions. This variant is not present in population databases (gnomAD no frequency). This sequence change replaces arginine, which is basic and polar, with cysteine, which is neutral and slightly polar, at codon 881 of the ARHGEF18 protein (p.Arg881Cys).

NM_001367823.1(ARHGEF18):c.3205C>T (p.Arg1069Cys)

Gene: ARHGEF18 (Rho/Rac guanine nucleotide exchange factor 18; plus strand). Cytogenetic location: 19p13.2.
Variant type: single nucleotide variant.
Coding change: c.3205C>T on transcript NM_001367823.1 (MANE Select); coding-DNA position 3205, C replaced by T.
Protein change: p.Arg1069Cys; replaces arginine 1069 with cysteine.
Molecular consequence: missense variant.
Genome position (GRCh38, 1-based): chr19:7,467,409, C>T. VCF-style: chr19-7467409-C-T. GRCh37 (hg19) VCF-style: chr19-7532295-C-T.
Other names: c.2479C>T, p.Arg827Cys (NM_001130955.2); c.2167C>T, p.Arg723Cys (NM_001367824.1, NM_015318.4); short protein forms R1069C, R723C, R827C.
Identifiers: ClinVar variation 2191072 (VCV002191072.3), dbSNP rs1442552996, ClinGen allele CA403088010.
Genomic context (GRCh38, chr19:7,467,409, plus strand): 5'-CAGCGGGAGGAGCGCGCGGCCCTGGAGAAGCTGCAGAGCCAGCTGCGGCACGAGCAGCAG[C>T]GCTGGGAGCGCGAGCGCCAGTGGCAGCACCAGGAGCTGGAGCGTGCGGGCGCGCGGCTGC-3'
Protein context (NP_001354752.1, residues 1059-1079): LQSQLRHEQQ[Arg1069Cys]WERERQWQHQ